The following is an entry in ClinVar:

ClinVar aggregate classification (germline): Likely benign (1 of 4 stars; one submission).

Allele frequency attached by ClinVar (database versions not stated): 1000 Genomes Project 30x 0.00203; 1000 Genomes Project 0.00260; TOPMed 0.00451; ExAC 0.00497; gnomAD 0.00524; ESP Exome Variant Server 0.00592.

Submission:

CeGaT Center for Human Genetics Tuebingen
Classification: Likely benign. Last evaluated: 2023-02-01. Review status: criteria provided, single submitter. Criteria: CeGaT Center For Human Genetics Tuebingen Variant Classification Criteria Version 2. Collection method: clinical testing. Allele origin: germline. Affected: yes. Observed: 1 variant allele.
Comment: H2AC16: BP4, BS2

NM_003511.3(H2AC16):c.345G>T (p.Val115=)

Gene: H2AC16 (H2A clustered histone 16; plus strand). Cytogenetic location: 6p22.1.
Variant type: single nucleotide variant.
Coding change: c.345G>T on transcript NM_003511.3 (MANE Select); coding-DNA position 345, G replaced by T.
Protein change: p.Val115=; no amino-acid change (valine 115 retained).
Molecular consequence: synonymous variant.
Genome position (GRCh38, 1-based): chr6:27,865,699, G>T. VCF-style: chr6-27865699-G-T. GRCh37 (hg19) VCF-style: chr6-27833477-G-T.
Identifiers: ClinVar variation 2656317 (VCV002656317.24), dbSNP rs138346783, ClinGen allele CA3679835.
Genomic context (GRCh38, chr6:27,865,699, plus strand): 5'-CAAGCTGCTGGGCAAAGTAACCATCGCTCAGGGTGGTGTCCTGCCCAACATCCAGGCTGT[G>T]CTACTGCCCAAGAAGACCGAGAGTCACCACAAGGCCAAAGGCAAATAATGTCTCCATAGA-3'
Protein context (NP_003502.1, residues 105-125): QGGVLPNIQA[Val115=]LLPKKTESHH